The following is an entry in ClinVar:

NM_004064.5(CDKN1B):c.208C>T (p.Leu70=)

Gene: CDKN1B (cyclin dependent kinase inhibitor 1B; plus strand). Cytogenetic location: 12p13.1.
Variant type: single nucleotide variant.
Coding change: c.208C>T on transcript NM_004064.5 (MANE Select); coding-DNA position 208, C replaced by T.
Protein change: p.Leu70=; no amino-acid change (leucine 70 retained).
Molecular consequence: synonymous variant.
Genome position (GRCh38, 1-based): chr12:12,718,047, C>T. VCF-style: chr12-12718047-C-T. GRCh37 (hg19) VCF-style: chr12-12870981-C-T.
Identifiers: ClinVar variation 771245 (VCV000771245.16), dbSNP rs1565419399, ClinGen allele CA478845630.

ClinVar aggregate classification (germline): Likely benign. Review status: criteria provided, multiple submitters, no conflicts (2 of 4 stars). 3 submissions from 3 submitters: Likely benign (3). Last evaluated 2026-02-01.

Conditions:
Hereditary cancer-predisposing syndrome. Also called: Hereditary neoplastic syndrome; Neoplastic Syndromes, Hereditary; Hereditary Cancer Syndrome; Tumor predisposition. Identifiers: Orphanet 140162, MedGen C0027672, MeSH D009386, MONDO:0015356.
Multiple endocrine neoplasia type 4. Also called: MULTIPLE ENDOCRINE NEOPLASIA, TYPE IV. Identifiers: Orphanet 276152, MedGen C1970712, MONDO:0012552, OMIM 610755.
CDKN1B-related disorder. Also called: CDKN1B-related condition.

Allele frequency attached by ClinVar (database versions not stated): gnomAD exomes below 0.00001; TOPMed below 0.00001.
gnomAD v4.1: 5 of 1,614,240 alleles (0.00031%); highest among the groups gnomAD compares: Non-Finnish European, 0.00042%; no homozygotes.

Submissions (3):

Labcorp Genetics (formerly Invitae), Labcorp
Classification: Likely benign for Multiple endocrine neoplasia type 4. Last evaluated: 2026-02-01. Review status: criteria provided, single submitter. Criteria: Invitae Variant Classification Sherloc (09022015). Collection method: clinical testing. Allele origin: germline.

PreventionGenetics, part of Exact Sciences
Classification: Likely benign for CDKN1B-related condition. Last evaluated: 2024-12-04. Review status: criteria provided, single submitter. Criteria: ACMG Guidelines, 2015. Collection method: clinical testing. Allele origin: germline.
Comment: This variant is classified as likely benign based on ACMG/AMP sequence variant interpretation guidelines (Richards et al. 2015 PMID: 25741868, with internal and published modifications).

Ambry Genetics
Classification: Likely benign for Hereditary cancer-predisposing syndrome. Last evaluated: 2018-12-13. Review status: criteria provided, single submitter. Criteria: Ambry Variant Classification Scheme 2023. Collection method: clinical testing. Allele origin: germline.